The following is an entry in ClinVar:

ClinVar aggregate classification (germline): Uncertain significance (1 of 4 stars; one submission).

Conditions:
Long QT syndrome (LQTS). Identifiers: MedGen C0023976, MeSH D008133, MONDO:0002442. Disease mechanism: loss of function. Inheritance: Various modes of inheritance.

Submission:

All of Us Research Program, National Institutes of Health
Classification: Uncertain significance for Long QT syndrome. Last evaluated: 2024-06-17. Review status: criteria provided, single submitter. Criteria: ACMG Guidelines, 2015. Collection method: clinical testing. Allele origin: germline. Inheritance: Autosomal dominant inheritance. Observed: 1 variant allele, 1 heterozygote.
Comment: This missense variant replaces proline with leucine at codon 408 of the KCNQ1 protein. Computational prediction is inconclusive regarding the impact of this variant on protein structure and function (internally defined REVEL score threshold 0.5 < inconclusive < 0.7, PMID: 27666373). To our knowledge, functional studies have not been reported for this variant. This variant has not been reported in individuals affected with KCNQ1-related disorders in the literature. This variant has not been identified in the general population by the Genome Aggregation Database (gnomAD). The available evidence is insufficient to determine the role of this variant in disease conclusively. Therefore, this variant is classified as a Variant of Uncertain Significance.

This study involves interpretation of variants in research participants for the purpose of population health screening. Participant phenotype was not available at the time of variant classification. Additional details can be found in publication PMID: 35346344, PMCID: PMC8962531

NM_000218.3(KCNQ1):c.1223C>T (p.Pro408Leu)

Gene: KCNQ1 (potassium voltage-gated channel subfamily Q member 1; plus strand). Cytogenetic location: 11p15.5.
Variant type: single nucleotide variant.
Coding change: c.1223C>T on transcript NM_000218.3 (MANE Select); coding-DNA position 1223, C replaced by T.
Protein change: p.Pro408Leu; replaces proline 408 with leucine.
Molecular consequence: missense variant.
Genome position (GRCh38, 1-based): chr11:2,587,664, C>T. VCF-style: chr11-2587664-C-T. GRCh37 (hg19) VCF-style: chr11-2608894-C-T.
Other names: c.1127C>T, p.Pro376Leu (NM_001406836.1); c.953C>T, p.Pro318Leu (NM_001406837.1); c.683C>T, p.Pro228Leu (NM_001406838.1); c.842C>T, p.Pro281Leu (NM_181798.2); short protein forms P228L, P281L, P318L, P376L, P408L.
Identifiers: ClinVar variation 3386931 (VCV003386931.1).